The following is an entry in ClinVar:

ClinVar aggregate classification (germline): Uncertain significance (1 of 4 stars; one submission).

gnomAD v4.1: 6 of 1,584,542 alleles (0.00038%); highest among the groups gnomAD compares: Non-Finnish European, 0.00052%; no homozygotes.

Submission:

Labcorp Genetics (formerly Invitae), Labcorp
Classification: Uncertain significance. Last evaluated: 2025-02-17. Review status: criteria provided, single submitter. Criteria: Invitae Variant Classification Sherloc (09022015). Collection method: clinical testing. Allele origin: germline.
Comment: This sequence change replaces serine, which is neutral and polar, with phenylalanine, which is neutral and non-polar, at codon 1858 of the FAT4 protein (p.Ser1858Phe). This variant is not present in population databases (gnomAD no frequency). This variant has not been reported in the literature in individuals affected with FAT4-related conditions. ClinVar contains an entry for this variant (Variation ID: 1483425). Invitae Evidence Modeling of protein sequence and biophysical properties (such as structural, functional, and spatial information, amino acid conservation, physicochemical variation, residue mobility, and thermodynamic stability) indicates that this missense variant is not expected to disrupt FAT4 protein function with a negative predictive value of 95%. In summary, the available evidence is currently insufficient to determine the role of this variant in disease. Therefore, it has been classified as a Variant of Uncertain Significance.

NM_001291303.3(FAT4):c.5573C>T (p.Ser1858Phe)

Gene: FAT4 (FAT atypical cadherin 4; plus strand). Cytogenetic location: 4q28.1.
Variant type: single nucleotide variant.
Coding change: c.5573C>T on transcript NM_001291303.3 (MANE Select); coding-DNA position 5573, C replaced by T.
Protein change: p.Ser1858Phe; replaces serine 1858 with phenylalanine.
Molecular consequence: missense variant.
Genome position (GRCh38, 1-based): chr4:125,408,447, C>T. VCF-style: chr4-125408447-C-T. GRCh37 (hg19) VCF-style: chr4-126329602-C-T.
Other names: c.5573C>T, p.Ser1858Phe (NM_001291285.3, NM_024582.6); short protein forms S1858F.
Identifiers: ClinVar variation 1483425 (VCV001483425.6), dbSNP rs749313432, ClinGen allele CA358122969.
Genomic context (GRCh38, chr4:125,408,447, plus strand): 5'-TCTTAGTAATACTTCTTACTTCCTTGATTTTATACTATTAATTTATTCTTTTGATAGGTT[C>T]TTTGGTAGCAGCCATTTTAGCCACGGATGATGACTCTGGTGTGAATGGAGAAATTACATA-3'
Protein context (NP_001278232.1, residues 1848-1868): FDIPEDTIPG[Ser1858Phe]LVAAILATDD